The following is an entry in ClinVar:

NM_153646.4(SLC24A4):c.1077T>C (p.Asn359=)

Gene: SLC24A4 (solute carrier family 24 member 4; plus strand). Cytogenetic location: 14q32.12.
Variant type: single nucleotide variant.
Coding change: c.1077T>C on transcript NM_153646.4 (MANE Select); coding-DNA position 1077, T replaced by C.
Protein change: p.Asn359=; no amino-acid change (asparagine 359 retained).
Molecular consequence: synonymous variant.
Genome position (GRCh38, 1-based): chr14:92,456,430, T>C. VCF-style: chr14-92456430-T-C. GRCh37 (hg19) VCF-style: chr14-92922774-T-C.
Other names: c.1077T>C, p.Asn359= (NM_001378620.1); c.1020T>C, p.Asn340= (NM_001425254.1, NM_153647.4); c.885T>C, p.Asn295= (NM_153648.4).
Identifiers: ClinVar variation 3043196 (VCV003043196.2), dbSNP rs145847451, ClinGen allele CA7316015.
Genomic context (GRCh38, chr14:92,456,430, plus strand): 5'-GCCTTGGTGTCCATGTTGCCTCCTGTCCACACAGCGGCAGAGACTGATCAACTCGGCCAA[T>C]GGTGTGAGCAGTAAGCCGCTTCAAAACGGGAGGCACGAGAACATTGAGAACGGGAATGTT-3'
Protein context (NP_705932.2, residues 349-369): NERQRLINSA[Asn359=]GVSSKPLQNG

ClinVar aggregate classification (germline): Likely benign (0 of 4 stars; one submission).

Conditions:
SLC24A4-related disorder. Also called: SLC24A4-related condition.

Allele frequency attached by ClinVar (database versions not stated): gnomAD 0.00003; TOPMed 0.00005; ESP Exome Variant Server 0.00008; gnomAD exomes 0.00010; ExAC 0.00014.
gnomAD v4.1: 154 of 1,614,000 alleles (0.0095%); highest among the groups gnomAD compares: Middle Eastern, 0.18%; 3 homozygotes.

Submission:

PreventionGenetics, part of Exact Sciences
Classification: Likely benign for SLC24A4-related condition. Last evaluated: 2019-07-02. Review status: no assertion criteria provided. Collection method: clinical testing. Allele origin: germline.
Comment: This variant is classified as likely benign based on ACMG/AMP sequence variant interpretation guidelines (Richards et al. 2015 PMID: 25741868, with internal and published modifications).